The following is an entry in ClinVar:

ClinVar aggregate classification (germline): Uncertain significance (1 of 4 stars; one submission).

Conditions:
Lethal multiple pterygium syndrome (LMPS). Identifiers: Orphanet 33108, MedGen C1854678, MONDO:0009668, OMIM 253290.

Allele frequency attached by ClinVar (database versions not stated): ExAC 0.00001; gnomAD 0.00001; TOPMed 0.00002; ESP Exome Variant Server 0.00008.
gnomAD v4.1: 2 of 1,614,118 alleles (0.00012%); highest among the groups gnomAD compares: African/African-American, 0.0027%; no homozygotes.

Submission:

Labcorp Genetics (formerly Invitae), Labcorp
Classification: Uncertain significance for Lethal multiple pterygium syndrome. Last evaluated: 2022-07-07. Review status: criteria provided, single submitter. Criteria: Invitae Variant Classification Sherloc (09022015). Collection method: clinical testing. Allele origin: germline.
Comment: This sequence change replaces asparagine, which is neutral and polar, with serine, which is neutral and polar, at codon 433 of the CHRND protein (p.Asn433Ser). This variant is present in population databases (rs377734777, gnomAD 0.01%). This variant has not been reported in the literature in individuals affected with CHRND-related conditions. Advanced modeling of protein sequence and biophysical properties (such as structural, functional, and spatial information, amino acid conservation, physicochemical variation, residue mobility, and thermodynamic stability) performed at Invitae indicates that this missense variant is not expected to disrupt CHRND protein function. In summary, the available evidence is currently insufficient to determine the role of this variant in disease. Therefore, it has been classified as a Variant of Uncertain Significance.

NM_000751.3(CHRND):c.1298A>G (p.Asn433Ser)

Gene: CHRND (cholinergic receptor nicotinic delta subunit; plus strand). Cytogenetic location: 2q37.1.
Variant type: single nucleotide variant.
Coding change: c.1298A>G on transcript NM_000751.3 (MANE Select); coding-DNA position 1298, A replaced by G.
Protein change: p.Asn433Ser; replaces asparagine 433 with serine.
Molecular consequence: missense variant.
Genome position (GRCh38, 1-based): chr2:232,534,269, A>G. VCF-style: chr2-232534269-A-G. GRCh37 (hg19) VCF-style: chr2-233398979-A-G.
Other names: c.1253A>G, p.Asn418Ser (NM_001256657.2); c.716A>G, p.Asn239Ser (NM_001311195.2); c.995A>G, p.Asn332Ser (NM_001311196.2); short protein forms N332S, N433S, N418S, N239S.
Identifiers: ClinVar variation 2164221 (VCV002164221.4), dbSNP rs377734777, ClinGen allele CA2168320.